The following is an entry in ClinVar:

ClinVar aggregate classification (germline): Uncertain significance (1 of 4 stars; one submission).

Submission:

GeneDx
Classification: Uncertain significance. Last evaluated: 2024-12-11. Review status: criteria provided, single submitter. Criteria: GeneDx Variant Classification Process June 2021. Collection method: clinical testing. Allele origin: germline. Affected: yes.
Comment: Not observed at significant frequency in large population cohorts (gnomAD); Frameshift variant predicted to result in protein truncation or nonsense mediated decay in a gene or region of a gene for which loss of function is not a well-established mechanism of disease; Has not been previously published as pathogenic or benign to our knowledge

NM_021072.4(HCN1):c.1198_1199del (p.Leu400fs)

Gene: HCN1 (hyperpolarization activated cyclic nucleotide gated potassium channel 1; minus strand). Cytogenetic location: 5p12.
Variant type: Microsatellite.
Coding change: c.1198_1199del on transcript NM_021072.4 (MANE Select); coding-DNA positions 1198 to 1199, 2 bases deleted (CT; older notation c.1198_1199delCT).
Protein change: p.Leu400fs; shifts the reading frame from leucine 400.
Molecular consequence: frameshift variant.
Genome position (GRCh38, 1-based): chr5:45,396,523-45,396,524, AG deleted on the plus strand (CT on the coding strand, the reverse complement: HCN1 is on the minus strand); deleting any 2 consecutive bases within chr5:45,396,523-45,396,527 gives the same sequence; the c. name uses the placement nearest the transcript's 3' end. VCF-style (leftmost placement, unchanged base first): chr5-45396522-CAG-C. GRCh37 (hg19) VCF-style: chr5-45396624-CAG-C.
Other names: short protein forms L400fs.
Identifiers: ClinVar variation 3903213 (VCV003903213.1).
Genomic context (GRCh38, chr5:45,396,522, plus strand): 5'-AAGACATTGGCGATAAATAAAACAAATTACCTTCTCTTGATACTGCCGCCTCGAAGAATC[CAG>C]AGACTGGATTAAAGCGGTGGCATGGCCGACAAACATGGCATAGCAGGTGGCCCCGACGAT-3'